The following is an entry in ClinVar:

NM_001386140.1(MTTP):c.1697A>G (p.Glu566Gly)

Gene: MTTP (microsomal triglyceride transfer protein; plus strand). Cytogenetic location: 4q23.
Variant type: single nucleotide variant.
Coding change: c.1697A>G on transcript NM_001386140.1 (MANE Select); coding-DNA position 1697, A replaced by G.
Protein change: p.Glu566Gly; replaces glutamic acid 566 with glycine.
Molecular consequence: missense variant.
Genome position (GRCh38, 1-based): chr4:99,608,905, A>G. VCF-style: chr4-99608905-A-G. GRCh37 (hg19) VCF-style: chr4-100530062-A-G.
Other names: c.1697A>G, p.Glu566Gly (NM_000253.4); c.1448A>G, p.Glu483Gly (NM_001300785.2); short protein forms E483G, E566G.
Identifiers: ClinVar variation 1372563 (VCV001372563.8), dbSNP rs2110230238, ClinGen allele CA357513053.
Genomic context (GRCh38, chr4:99,608,905, plus strand): 5'-TCATTTTAAATAACAATCCATCCTACATGGACGTCAAGAACATCCTGCTGTCTATTGGGG[A>G]GCTTCCCCAAGAAATGAATAAATACATGCTCGCCATTGTTCAAGACATCCTACGTTTTGA-3'
Protein context (NP_001373069.1, residues 556-576): DVKNILLSIG[Glu566Gly]LPQEMNKYML

ClinVar aggregate classification (germline): Uncertain significance (1 of 4 stars; one submission).

Submission:

Labcorp Genetics (formerly Invitae), Labcorp
Classification: Uncertain significance. Last evaluated: 2020-12-21. Review status: criteria provided, single submitter. Criteria: Invitae Variant Classification Sherloc (09022015). Collection method: clinical testing. Allele origin: germline.
Comment: This variant has not been reported in the literature in individuals with MTTP-related conditions. This variant is not present in population databases (ExAC no frequency). This sequence change replaces glutamic acid with glycine at codon 566 of the MTTP protein (p.Glu566Gly). The glutamic acid residue is moderately conserved and there is a moderate physicochemical difference between glutamic acid and glycine. Algorithms developed to predict the effect of missense changes on protein structure and function (SIFT, PolyPhen-2, Align-GVGD) all suggest that this variant is likely to be tolerated, but these predictions have not been confirmed by published functional studies and their clinical significance is uncertain. In summary, the available evidence is currently insufficient to determine the role of this variant in disease. Therefore, it has been classified as a Variant of Uncertain Significance.